The following is an entry in ClinVar:

ClinVar aggregate classification (germline): Uncertain significance. Review status: criteria provided, multiple submitters, no conflicts (2 of 4 stars). 2 submissions from 2 submitters: Uncertain significance (2). Last evaluated 2023-04-05.

Allele frequency attached by ClinVar (database versions not stated): gnomAD exomes below 0.00001; ExAC 0.00001.

Submissions (2):

GeneDx
Classification: Uncertain significance. Last evaluated: 2023-04-05. Review status: criteria provided, single submitter. Criteria: GeneDx Variant Classification Process June 2021. Collection method: clinical testing. Allele origin: germline. Affected: yes.
Comment: In silico analysis supports that this missense variant has a deleterious effect on protein structure/function; Has not been previously published as pathogenic or benign to our knowledge

CeGaT Center for Human Genetics Tuebingen
Classification: Uncertain significance. Last evaluated: 2017-11-01. Review status: criteria provided, single submitter. Criteria: CeGaT Center For Human Genetics Tuebingen Variant Classification Criteria Version 2. Collection method: clinical testing. Allele origin: germline. Affected: yes. Observed: 1 variant allele.

NM_001322934.2(NFKB2):c.781C>T (p.Arg261Trp)

Gene: NFKB2 (nuclear factor kappa B subunit 2; plus strand). Cytogenetic location: 10q24.32.
Variant type: single nucleotide variant.
Coding change: c.781C>T on transcript NM_001322934.2 (MANE Select); coding-DNA position 781, C replaced by T.
Protein change: p.Arg261Trp; replaces arginine 261 with tryptophan.
Molecular consequence: missense variant.
Genome position (GRCh38, 1-based): chr10:102,398,226, C>T. VCF-style: chr10-102398226-C-T. GRCh37 (hg19) VCF-style: chr10-104157983-C-T.
Other names: c.781C>T, p.Arg261Trp (LRG_1347t1, NM_001077494.3, NM_001261403.3 and 3 more transcripts); short protein forms R261W.
Identifiers: ClinVar variation 546654 (VCV000546654.46), dbSNP rs769218279, ClinGen allele CA5664655.